The following is an entry in ClinVar:

NM_001290060.2(SEMA3B):c.1948G>A (p.Gly650Ser)

Gene: SEMA3B (semaphorin 3B; plus strand). Cytogenetic location: 3p21.31.
Variant type: single nucleotide variant.
Coding change: c.1948G>A on transcript NM_001290060.2 (MANE Select); coding-DNA position 1948, G replaced by A.
Protein change: p.Gly650Ser; replaces glycine 650 with serine.
Molecular consequence: missense variant. On other transcripts: non-coding transcript variant (1).
Genome position (GRCh38, 1-based): chr3:50,276,404, G>A. VCF-style: chr3-50276404-G-A. GRCh37 (hg19) VCF-style: chr3-50313835-G-A.
Other names: c.1963G>A, p.Gly655Ser (NM_001290061.1); c.919G>A, p.Gly307Ser (NM_001290062.2, NM_001290063.2); c.1948G>A, p.Gly650Ser (NM_004636.4); c.1945G>A, p.Gly649Ser (NM_001005914.3); short protein forms G650S, G649S, G307S, G655S.
Identifiers: ClinVar variation 3952062 (VCV003952062.2).
Genomic context (GRCh38, chr3:50,276,404, plus strand): 5'-CTGCTGCGCAGGCTGCGGCGCCGGGACTCGGGCGTGTACTTGTGCGCCGCCGTCGAGCAG[G>A]GCTTTACGCAACCGCTGCGTCGCCTGTCGCTGCACGTGTTGAGTGCTACGCAGGCCGAAC-3'
Protein context (NP_001276989.1, residues 640-660): GVYLCAAVEQ[Gly650Ser]FTQPLRRLSL

ClinVar aggregate classification (germline): Uncertain significance. Review status: criteria provided, multiple submitters, no conflicts (2 of 4 stars). 2 submissions from 2 submitters: Uncertain significance (2). Last evaluated 2025-11-04.

Conditions:
SEMA3B-related disorder. Also called: SEMA3B-related condition.

Submissions (2):

PreventionGenetics, part of Exact Sciences
Classification: Uncertain significance for SEMA3B-related condition. Last evaluated: 2025-11-04. Review status: criteria provided, single submitter. Criteria: ACMG Guidelines, 2015. Collection method: clinical testing. Allele origin: germline.
Comment: The SEMA3B c.1963G>A variant is predicted to result in the amino acid substitution p.Gly655Ser. To our knowledge, this variant has not been reported in the literature or in a large population database (gnomAD), indicating this variant is rare. This variant is interpreted as no interpretation set.

Ambry Genetics
Classification: Uncertain significance. Last evaluated: 2025-05-19. Review status: criteria provided, single submitter. Criteria: Ambry Variant Classification Scheme 2023. Collection method: clinical testing. Allele origin: germline.